The following is an entry in ClinVar:

ClinVar aggregate classification (germline): Uncertain significance (1 of 4 stars; one submission).

Allele frequency attached by ClinVar (database versions not stated): gnomAD 0.00001; gnomAD exomes 0.00001; TOPMed 0.00001.
gnomAD v4.1: 11 of 1,614,012 alleles (0.00068%); highest among the groups gnomAD compares: Non-Finnish European, 0.00093%; no homozygotes.

Submission:

Labcorp Genetics (formerly Invitae), Labcorp
Classification: Uncertain significance. Last evaluated: 2022-07-13. Review status: criteria provided, single submitter. Criteria: Invitae Variant Classification Sherloc (09022015). Collection method: clinical testing. Allele origin: germline.
Comment: This sequence change replaces proline, which is neutral and non-polar, with leucine, which is neutral and non-polar, at codon 196 of the PLXNA2 protein (p.Pro196Leu). This variant is not present in population databases (gnomAD no frequency). This variant has not been reported in the literature in individuals affected with PLXNA2-related conditions. Algorithms developed to predict the effect of missense changes on protein structure and function are either unavailable or do not agree on the potential impact of this missense change (SIFT: "Tolerated"; PolyPhen-2: "Probably Damaging"; Align-GVGD: "Class C0"). In summary, the available evidence is currently insufficient to determine the role of this variant in disease. Therefore, it has been classified as a Variant of Uncertain Significance.

NM_025179.4(PLXNA2):c.587C>T (p.Pro196Leu)

Gene: PLXNA2 (plexin A2; minus strand). Cytogenetic location: 1q32.2.
Variant type: single nucleotide variant.
Coding change: c.587C>T on transcript NM_025179.4 (MANE Select); coding-DNA position 587, C replaced by T.
Protein change: p.Pro196Leu; replaces proline 196 with leucine.
Molecular consequence: missense variant.
Genome position (GRCh38, 1-based): chr1:208,217,336, G>A on the plus strand (C>T on the coding strand, the complement: PLXNA2 is on the minus strand). VCF-style: chr1-208217336-G-A. GRCh37 (hg19) VCF-style: chr1-208390681-G-A.
Other names: short protein forms P196L.
Identifiers: ClinVar variation 1906287 (VCV001906287.5), dbSNP rs1233326598, ClinGen allele CA344559282.